The following is an entry in ClinVar:

NM_033305.3(VPS13A):c.6179G>A (p.Gly2060Asp)

Gene: VPS13A (vacuolar protein sorting 13 homolog A; plus strand). Cytogenetic location: 9q21.2.
Variant type: single nucleotide variant.
Coding change: c.6179G>A on transcript NM_033305.3 (MANE Select); coding-DNA position 6179, G replaced by A.
Protein change: p.Gly2060Asp; replaces glycine 2060 with aspartic acid.
Molecular consequence: missense variant.
Genome position (GRCh38, 1-based): chr9:77,337,338, G>A. VCF-style: chr9-77337338-G-A. GRCh37 (hg19) VCF-style: chr9-79952254-G-A.
Other names: c.6062G>A, p.Gly2021Asp (NM_001018037.2); c.6179G>A, p.Gly2060Asp (NM_001018038.3, NM_015186.4); short protein forms G2060D, G2021D.
Identifiers: ClinVar variation 1525603 (VCV001525603.5), dbSNP rs376686297, ClinGen allele CA5092962.

ClinVar aggregate classification (germline): Uncertain significance (1 of 4 stars; one submission).

Allele frequency attached by ClinVar (database versions not stated): TOPMed 0.00003; gnomAD 0.00006; ESP Exome Variant Server 0.00008; gnomAD exomes 0.00009; ExAC 0.00013.
gnomAD v4.1: 78 of 1,611,996 alleles (0.0048%); highest among the groups gnomAD compares: Non-Finnish European, 0.0059%; no homozygotes.

Submission:

Labcorp Genetics (formerly Invitae), Labcorp
Classification: Uncertain significance. Last evaluated: 2025-12-08. Review status: criteria provided, single submitter. Criteria: Invitae Variant Classification Sherloc (09022015). Collection method: clinical testing. Allele origin: germline.
Comment: This sequence change replaces glycine, which is neutral and non-polar, with aspartic acid, which is acidic and polar, at codon 2060 of the VPS13A protein (p.Gly2060Asp). This variant is present in population databases (rs376686297, gnomAD 0.02%). This variant has not been reported in the literature in individuals affected with VPS13A-related conditions. ClinVar contains an entry for this variant (Variation ID: 1525603). Invitae Evidence Modeling of protein sequence and biophysical properties (such as structural, functional, and spatial information, amino acid conservation, physicochemical variation, residue mobility, and thermodynamic stability) indicates that this missense variant is not expected to disrupt VPS13A protein function with a negative predictive value of 80%. In summary, the available evidence is currently insufficient to determine the role of this variant in disease. Therefore, it has been classified as a Variant of Uncertain Significance.